The following is an entry in ClinVar:

NM_000129.4(F13A1):c.1737G>A (p.Glu579=)

Gene: F13A1 (coagulation factor XIII A chain; minus strand). Cytogenetic location: 6p25.1.
Variant type: single nucleotide variant.
Coding change: c.1737G>A on transcript NM_000129.4 (MANE Select); coding-DNA position 1737, G replaced by A.
Protein change: p.Glu579=; no amino-acid change (glutamic acid 579 retained).
Molecular consequence: synonymous variant.
Genome position (GRCh38, 1-based): chr6:6,174,590, C>T on the plus strand (G>A on the coding strand, the complement: F13A1 is on the minus strand). VCF-style: chr6-6174590-C-T. GRCh37 (hg19) VCF-style: chr6-6174823-C-T.
Identifiers: ClinVar variation 3033152 (VCV003033152.2), dbSNP rs2480529494, ClinGen allele CA448499234.
Genomic context (GRCh38, chr6:6,174,590, plus strand): 5'-CAGGGGCCAGACAGCGAGTCTCAGAAAGAACCACACCATTGTTAGCTTACAGGACAAGGG[C>T]TCCAGCGTCACGTCGAACGTCTCCTTCTTGAATTCTGCCTTCGGGACCCCGGTGTAGAAG-3'
Protein context (NP_000120.2, residues 569-589): FKKETFDVTL[Glu579=]PLSFKKEAVL

ClinVar aggregate classification (germline): Likely benign (0 of 4 stars; one submission).

Conditions:
F13A1-related disorder. Also called: F13A1-related condition.

Allele frequency attached by ClinVar (database versions not stated): gnomAD exomes below 0.00001.
gnomAD v4.1: 2 of 1,614,152 alleles (0.00012%); highest among the groups gnomAD compares: South Asian, 0.0022%; no homozygotes.

Submission:

PreventionGenetics, part of Exact Sciences
Classification: Likely benign for F13A1-related condition. Last evaluated: 2024-01-29. Review status: no assertion criteria provided. Collection method: clinical testing. Allele origin: germline.
Comment: This variant is classified as likely benign based on ACMG/AMP sequence variant interpretation guidelines (Richards et al. 2015 PMID: 25741868, with internal and published modifications).